The following is an entry in ClinVar:

ClinVar aggregate classification (germline): Uncertain significance (1 of 4 stars; one submission).

Allele frequency attached by ClinVar (database versions not stated): gnomAD exomes below 0.00001.

Submission:

Labcorp Genetics (formerly Invitae), Labcorp
Classification: Uncertain significance. Last evaluated: 2023-03-27. Review status: criteria provided, single submitter. Criteria: Invitae Variant Classification Sherloc (09022015). Collection method: clinical testing. Allele origin: germline.
Comment: This variant has not been reported in the literature in individuals affected with GUCY2C-related conditions. This variant is present in population databases (no rsID available, gnomAD 0.003%). This sequence change creates a premature translational stop signal (p.Asn111Metfs*10) in the GUCY2C gene. It is expected to result in an absent or disrupted protein product. However, the current clinical and genetic evidence is not sufficient to establish whether loss-of-function variants in GUCY2C cause disease. In summary, the available evidence is currently insufficient to determine the role of this variant in disease. Therefore, it has been classified as a Variant of Uncertain Significance. Algorithms developed to predict the effect of sequence changes on RNA splicing suggest that this variant may disrupt the consensus splice site. ClinVar contains an entry for this variant (Variation ID: 1967082).

NM_004963.4(GUCY2C):c.330delA (p.Asn111fs)

Genes: GUCY2C (guanylate cyclase 2C; minus strand), GUCY2C-AS1 (GUCY2C antisense RNA 1; plus strand). Cytogenetic location: 12p12.3.
Variant type: Deletion.
Coding change: c.330delA on transcript NM_004963.4 (MANE Select); coding-DNA position 330, one base deleted (A).
Protein change: p.Asn111fs; shifts the reading frame from asparagine 111.
Molecular consequence: frameshift variant.
Genome position (GRCh38, 1-based): chr12:14,687,951, T deleted on the plus strand (A on the coding strand, the reverse complement: GUCY2C is on the minus strand). VCF-style (leftmost placement, unchanged base first): chr12-14687950-CT-C. GRCh37 (hg19) VCF-style: chr12-14840884-CT-C.
Other names: short protein forms N111fs.
Identifiers: ClinVar variation 1967082 (VCV001967082.5), dbSNP rs1565637076, ClinGen allele CA603511906.